The following is an entry in ClinVar:

ClinVar aggregate classification (germline): Uncertain significance (1 of 4 stars; one submission).

Conditions:
Familial thoracic aortic aneurysm and aortic dissection (TAAD). Also called: Thoracic aortic aneurysms and dissections. Identifiers: Orphanet 91387, MedGen C4707243, MONDO:0019625.
Hereditary cancer-predisposing syndrome. Also called: Neoplastic Syndromes, Hereditary; Tumor predisposition; Hereditary neoplastic syndrome; Hereditary Cancer Syndrome. Identifiers: Orphanet 140162, MedGen C0027672, MeSH D009386, MONDO:0015356.

Submission:

Ambry Genetics
Classification: Uncertain significance for Hereditary cancer-predisposing syndrome; Familial thoracic aortic aneurysm and aortic dissection. Last evaluated: 2025-05-12. Review status: criteria provided, single submitter. Criteria: Ambry Variant Classification Scheme 2023. Collection method: clinical testing. Allele origin: germline.
Comment: The p.P257L variant (also known as c.770C>T), located in coding exon 5 of the SMAD4 gene, results from a C to T substitution at nucleotide position 770. The proline at codon 257 is replaced by leucine, an amino acid with similar properties. This amino acid position is conserved. In addition, the in silico prediction for this alteration is inconclusive. Based on the available evidence, the clinical significance of this variant remains unclear.

NM_005359.6(SMAD4):c.770C>T (p.Pro257Leu)

Gene: SMAD4 (SMAD family member 4; plus strand). Cytogenetic location: 18q21.2.
Variant type: single nucleotide variant.
Coding change: c.770C>T on transcript NM_005359.6 (MANE Select); coding-DNA position 770, C replaced by T.
Protein change: p.Pro257Leu; replaces proline 257 with leucine.
Molecular consequence: missense variant. On other transcripts: non-coding transcript variant (2).
Genome position (GRCh38, 1-based): chr18:51,058,227, C>T. VCF-style: chr18-51058227-C-T. GRCh37 (hg19) VCF-style: chr18-48584597-C-T.
Other names: c.770C>T, p.Pro257Leu (NM_001407041.1, NM_001407042.1, NM_001407043.1); short protein forms P257L.
Identifiers: ClinVar variation 4044774 (VCV004044774.1).